The following is an entry in ClinVar:

ClinVar aggregate classification (germline): Uncertain significance (1 of 4 stars; one submission).

Submission:

Labcorp Genetics (formerly Invitae), Labcorp
Classification: Uncertain significance. Last evaluated: 2025-04-17. Review status: criteria provided, single submitter. Criteria: Invitae Variant Classification Sherloc (09022015). Collection method: clinical testing. Allele origin: germline.
Comment: This sequence change replaces glutamic acid, which is acidic and polar, with aspartic acid, which is acidic and polar, at codon 2038 of the POLE protein (p.Glu2038Asp). This variant is not present in population databases (gnomAD no frequency). This variant has not been reported in the literature in individuals affected with POLE-related conditions. Invitae Evidence Modeling of protein sequence and biophysical properties (such as structural, functional, and spatial information, amino acid conservation, physicochemical variation, residue mobility, and thermodynamic stability) indicates that this missense variant is not expected to disrupt POLE protein function with a negative predictive value of 80%. In summary, the available evidence is currently insufficient to determine the role of this variant in disease. Therefore, it has been classified as a Variant of Uncertain Significance.

NM_006231.4(POLE):c.6114G>C (p.Glu2038Asp)

Gene: POLE (DNA polymerase epsilon, catalytic subunit; minus strand). Cytogenetic location: 12q24.33.
Variant type: single nucleotide variant.
Coding change: c.6114G>C on transcript NM_006231.4 (MANE Select); coding-DNA position 6114, G replaced by C.
Protein change: p.Glu2038Asp; replaces glutamic acid 2038 with aspartic acid.
Molecular consequence: missense variant.
Genome position (GRCh38, 1-based): chr12:132,632,686, C>G on the plus strand (G>C on the coding strand, the complement: POLE is on the minus strand). VCF-style: chr12-132632686-C-G. GRCh37 (hg19) VCF-style: chr12-133209272-C-G.
Other names: short protein forms E2038D.
Identifiers: ClinVar variation 4744488 (VCV004744488.1).